The following is an entry in ClinVar:

ClinVar aggregate classification (germline): Likely pathogenic (1 of 4 stars; one submission).

Submission:

GeneDx
Classification: Likely pathogenic. Last evaluated: 2025-03-22. Review status: criteria provided, single submitter. Criteria: GeneDx Variant Classification Process June 2021. Collection method: clinical testing. Allele origin: germline. Affected: yes.
Comment: Canonical splice site variant predicted to result in an in-frame loss of the adjacent exon in a gene for which loss of function is a known mechanism of disease; Not observed at significant frequency in large population cohorts (gnomAD); Has not been previously published as pathogenic or benign to our knowledge

NM_018076.5(ODAD2):c.1238+1G>A

Gene: ODAD2 (outer dynein arm docking complex subunit 2; minus strand). Cytogenetic location: 10p12.1.
Variant type: single nucleotide variant.
Coding change: c.1238+1G>A on transcript NM_018076.5 (MANE Select); the canonical splice donor site of the intron after coding-DNA position 1238, G replaced by A.
Molecular consequence: splice donor variant. On other transcripts: intron variant (1).
Genome position (GRCh38, 1-based): chr10:27,968,922, C>T on the plus strand (G>A on the coding strand, the complement: ODAD2 is on the minus strand). VCF-style: chr10-27968922-C-T. GRCh37 (hg19) VCF-style: chr10-28257851-C-T.
Other names: c.1238+1G>A (NM_001290020.2); c.314+1G>A (NM_001312689.2); c.-187-7207G>A (NM_001290021.2).
Identifiers: ClinVar variation 4086622 (VCV004086622.1).